The following is an entry in ClinVar:

ClinVar aggregate classification (germline): Benign/Likely benign. Review status: criteria provided, multiple submitters, no conflicts (2 of 4 stars). 8 submissions from 8 submitters: Benign (5); Likely benign (3). Last evaluated 2026-09-01.

Conditions:
Autosomal recessive nonsyndromic hearing loss 35. Identifiers: Orphanet 90636, MedGen C1837857, MONDO:0012060, OMIM 608565.

Allele frequency attached by ClinVar (database versions not stated): TOPMed 0.01022; gnomAD 0.01096 and 0.01082; ExAC 0.01158; 1000 Genomes Project 30x 0.00515; 1000 Genomes Project 0.00519; ESP Exome Variant Server 0.00976; gnomAD exomes 0.01152 and 0.01311.
gnomAD v4.1: 20,654 of 1,613,450 alleles (1.3%); highest among the groups gnomAD compares: Non-Finnish European, 1.5%; 201 homozygotes.

Submissions (8):

CeGaT Center for Human Genetics Tuebingen
Classification: Benign. Last evaluated: 2026-09-01. Review status: criteria provided, single submitter. Criteria: CeGaT Center For Human Genetics Tuebingen Variant Classification Criteria Version 2. Collection method: clinical testing. Allele origin: germline. Affected: yes. Observed: 22 variant alleles.
Comment: ESRRB: BP4, BS1, BS2

Labcorp Genetics (formerly Invitae), Labcorp
Classification: Benign. Last evaluated: 2026-01-27. Review status: criteria provided, single submitter. Criteria: Invitae Variant Classification Sherloc (09022015). Collection method: clinical testing. Allele origin: germline.

Blueprint Genetics
Classification: Likely benign. Last evaluated: 2024-11-27. Review status: criteria provided, single submitter. Criteria: ACMG Guidelines, 2015. Collection method: clinical testing. Allele origin: germline.

GeneDx
Classification: Benign. Last evaluated: 2019-03-26. Review status: criteria provided, single submitter. Criteria: GeneDx Variant Classification Process June 2021. Collection method: clinical testing. Allele origin: germline. Affected: yes.
Comment: This variant is associated with the following publications: (PMID: 22951369, 29636544)

Athena Diagnostics
Classification: Benign. Last evaluated: 2019-01-23. Review status: criteria provided, single submitter. Criteria: Athena Diagnostics Criteria. Collection method: clinical testing. Allele origin: germline.

Illumina Laboratory Services, Illumina
Classification: Likely benign for Autosomal recessive nonsyndromic hearing loss 35. Last evaluated: 2017-04-27. Review status: criteria provided, single submitter. Criteria: ICSL Variant Classification Criteria 13 December 2019. Collection method: clinical testing. Allele origin: germline.
Comment: This variant was observed as part of a predisposition screen in an ostensibly healthy population. A literature search was performed for the gene, cDNA change, and amino acid change (where applicable). Publications were found based on this search. The evidence from the literature, in combination with allele frequency data from public databases where available, was sufficient to determine this variant is unlikely to cause disease. Therefore, this variant is classified as likely benign.

Laboratory for Molecular Medicine, Mass General Brigham Personalized Medicine
Classification: Benign. Last evaluated: 2012-04-30. Review status: criteria provided, single submitter. Criteria: LMM Criteria. Collection method: clinical testing. Allele origin: germline. Observed: 47 variant alleles.
Comment: Val413Ile in Exon 09 of ESRRB: This variant is not expected to have clinical sig nificance because it has been identified in 1.3% (91/7020) of European American chromosomes from a broad population by the NHLBI Exome Sequencing Project (dbSNP rs146351534).

Breakthrough Genomics
Classification: Likely benign. Review status: criteria provided, single submitter. Criteria: ACMG Guidelines, 2015. Collection method: not provided. Allele origin: germline. Inheritance: Autosomal recessive inheritance. Affected: yes.

Literature cited by the submitters: PubMed 29636544 (cited by Athena Diagnostics); PubMed 22951369 (cited by Athena Diagnostics and Illumina Laboratory Services, Illumina).

NM_001379180.1(ESRRB):c.1300G>A (p.Val434Ile)

Gene: ESRRB (estrogen related receptor beta; plus strand). Cytogenetic location: 14q24.3.
Variant type: single nucleotide variant.
Coding change: c.1300G>A on transcript NM_001379180.1 (MANE Select); coding-DNA position 1300, G replaced by A.
Protein change: p.Val434Ile; replaces valine 434 with isoleucine.
Molecular consequence: missense variant.
Genome position (GRCh38, 1-based): chr14:76,498,393, G>A. VCF-style: chr14-76498393-G-A. GRCh37 (hg19) VCF-style: chr14-76964736-G-A.
Other names: c.1237G>A, p.Val413Ile (NM_004452.4); short protein forms V413I, V434I.
Identifiers: ClinVar variation 44996 (VCV000044996.43), dbSNP rs146351534, ClinGen allele CA135411.